The following is an entry in ClinVar:

NM_002855.5(NECTIN1):c.634C>A (p.Arg212Ser)

Gene: NECTIN1 (nectin cell adhesion molecule 1; minus strand). Cytogenetic location: 11q23.3.
Variant type: single nucleotide variant.
Coding change: c.634C>A on transcript NM_002855.5 (MANE Select); coding-DNA position 634, C replaced by A.
Protein change: p.Arg212Ser; replaces arginine 212 with serine.
Molecular consequence: missense variant.
Genome position (GRCh38, 1-based): chr11:119,677,654, G>T on the plus strand (C>A on the coding strand, the complement: NECTIN1 is on the minus strand). VCF-style: chr11-119677654-G-T. GRCh37 (hg19) VCF-style: chr11-119548364-G-T.
Other names: c.634C>A, p.Arg212Ser (NM_203285.2, NM_203286.2); short protein forms R212S.
Identifiers: ClinVar variation 4766970 (VCV004766970.1).

ClinVar aggregate classification (germline): Uncertain significance (1 of 4 stars; one submission).

Submission:

Labcorp Genetics (formerly Invitae), Labcorp
Classification: Uncertain significance. Last evaluated: 2025-10-06. Review status: criteria provided, single submitter. Criteria: Invitae Variant Classification Sherloc (09022015). Collection method: clinical testing. Allele origin: germline.
Comment: This sequence change replaces arginine, which is basic and polar, with serine, which is neutral and polar, at codon 212 of the NECTIN1 protein (p.Arg212Ser). This variant is not present in population databases (gnomAD no frequency). This variant has not been reported in the literature in individuals affected with NECTIN1-related conditions. An algorithm developed to predict the effect of missense changes on protein structure and function (PolyPhen-2) suggests that this variant is likely to be disruptive. In summary, the available evidence is currently insufficient to determine the role of this variant in disease. Therefore, it has been classified as a Variant of Uncertain Significance.